The following is an entry in ClinVar:

NM_021930.6(RINT1):c.1062G>C (p.Lys354Asn)

Gene: RINT1 (RAD50 interactor 1; plus strand). Cytogenetic location: 7q22.3.
Variant type: single nucleotide variant.
Coding change: c.1062G>C on transcript NM_021930.6 (MANE Select); coding-DNA position 1062, G replaced by C.
Protein change: p.Lys354Asn; replaces lysine 354 with asparagine.
Molecular consequence: missense variant. On other transcripts: non-coding transcript variant (1).
Genome position (GRCh38, 1-based): chr7:105,550,120, G>C. VCF-style: chr7-105550120-G-C. GRCh37 (hg19) VCF-style: chr7-105190567-G-C.
Other names: c.828G>C, p.Lys276Asn (NM_001346599.2); c.39G>C, p.Lys13Asn (NM_001346600.2, NM_001346603.2); c.138G>C, p.Lys46Asn (NM_001346601.2); short protein forms K13N, K46N, K276N, K354N.
Identifiers: ClinVar variation 3789198 (VCV003789198.1).
Genomic context (GRCh38, chr7:105,550,120, plus strand): 5'-ATGGTACTTGGCTCAAGTACTTATGTGGATTGGAAACCATACTGAATTTCTGGATGAGAA[G>C]ATTCAGCCAATATTAGACAAAGTAGGCTCTTTGGTAAACGCAAGGGTAAGAGACTCAGTC-3'
Protein context (NP_068749.3, residues 344-364): IGNHTEFLDE[Lys354Asn]IQPILDKVGS

ClinVar aggregate classification (germline): Uncertain significance (1 of 4 stars; one submission).

gnomAD v4.1: 1 of 1,613,904 alleles (0.000062%); highest among the groups gnomAD compares: Non-Finnish European, 0.000085%; no homozygotes.

Submission:

Ambry Genetics
Classification: Uncertain significance. Last evaluated: 2025-02-02. Review status: criteria provided, single submitter. Criteria: Ambry Variant Classification Scheme 2023. Collection method: clinical testing. Allele origin: germline.
Comment: The p.K354N variant (also known as c.1062G>C), located in coding exon 8 of the RINT1 gene, results from a G to C substitution at nucleotide position 1062. The lysine at codon 354 is replaced by asparagine, an amino acid with similar properties. This amino acid position is conserved. In addition, this alteration is predicted to be tolerated by in silico analysis. Based on the available evidence, the clinical significance of this variant remains unclear.